The following is an entry in ClinVar:

NM_012120.3(CD2AP):c.1120A>G (p.Thr374Ala)

Gene: CD2AP (CD2 associated protein; plus strand). Cytogenetic location: 6p12.3.
Variant type: single nucleotide variant.
Coding change: c.1120A>G on transcript NM_012120.3 (MANE Select); coding-DNA position 1120, A replaced by G.
Protein change: p.Thr374Ala; replaces threonine 374 with alanine.
Molecular consequence: missense variant.
Genome position (GRCh38, 1-based): chr6:47,595,872, A>G. VCF-style: chr6-47595872-A-G. GRCh37 (hg19) VCF-style: chr6-47563608-A-G.
Other names: short protein forms T374A.
Identifiers: ClinVar variation 260180 (VCV000260180.44), dbSNP rs138727736, ClinGen allele CA3844238.
Genomic context (GRCh38, chr6:47,595,872, plus strand): 5'-CCTAAATAATTTTGATTGTTAATAACTTGTGAAATATTTTAAATCTTAGATGAAAAATCA[A>G]CACTGGAACAGAAACCTTCTAAACCAGCAGCTCCACAAGTCCCACCCAAGAAACCTACTC-3'
Protein context (NP_036252.1, residues 364-384): LKPEEKDEKS[Thr374Ala]LEQKPSKPAA

ClinVar aggregate classification (germline): Benign/Likely benign. Review status: criteria provided, multiple submitters, no conflicts (2 of 4 stars). 8 submissions from 8 submitters: Benign (4); Likely benign (4). Last evaluated 2026-02-01.

Conditions:
Focal segmental glomerulosclerosis 3, susceptibility to (FSGS3). Identifiers: Orphanet 656, MedGen C1842982, MONDO:0011917, OMIM 607832.
Focal segmental glomerulosclerosis (FSGS). Also called: Glomerulosclerosis, focal; Focal sclerosis with hyalinosis. Identifiers: MedGen C0017668, MONDO:0100313, HP:0000097. Disease mechanism: loss of function.

Allele frequency attached by ClinVar (database versions not stated): gnomAD 0.00367 and 0.00324; ESP Exome Variant Server 0.00369; 1000 Genomes Project 0.00459; 1000 Genomes Project 30x 0.00484; ExAC 0.00505; gnomAD exomes 0.00508 and 0.00565; TOPMed 0.00349.
gnomAD v4.1: 8,846 of 1,612,002 alleles (0.55%); highest among the groups gnomAD compares: Middle Eastern, 2.3%; 48 homozygotes.

Submissions (8):

Labcorp Genetics (formerly Invitae), Labcorp
Classification: Benign. Last evaluated: 2026-02-01. Review status: criteria provided, single submitter. Criteria: Invitae Variant Classification Sherloc (09022015). Collection method: clinical testing. Allele origin: germline.

Blueprint Genetics
Classification: Likely benign. Last evaluated: 2024-11-26. Review status: criteria provided, single submitter. Criteria: ACMG Guidelines, 2015. Collection method: clinical testing. Allele origin: germline.

CeGaT Center for Human Genetics Tuebingen
Classification: Benign. Last evaluated: 2024-09-01. Review status: criteria provided, single submitter. Criteria: CeGaT Center For Human Genetics Tuebingen Variant Classification Criteria Version 2. Collection method: clinical testing. Allele origin: germline. Affected: yes. Observed: 2 variant alleles.
Comment: CD2AP: BP4, BS1, BS2

Genome Diagnostics Laboratory, The Hospital for Sick Children
Classification: Likely benign for Focal segmental glomerulosclerosis. Last evaluated: 2022-09-28. Review status: criteria provided, single submitter. Criteria: ACMG Guidelines, 2015. Collection method: clinical testing. Allele origin: germline.

GeneDx
Classification: Likely benign. Last evaluated: 2020-09-13. Review status: criteria provided, single submitter. Criteria: GeneDx Variant Classification Process June 2021. Collection method: clinical testing. Allele origin: germline. Affected: yes.
Comment: This variant is associated with the following publications: (PMID: 19131354, 27884173, 26997877)

Illumina Laboratory Services, Illumina
Classification: Benign for Focal segmental glomerulosclerosis 3, susceptibility to. Last evaluated: 2018-03-06. Review status: criteria provided, single submitter. Criteria: ICSL Variant Classification Criteria 13 December 2019. Collection method: clinical testing. Allele origin: germline.
Comment: This variant was observed in the ICSL laboratory as part of a predisposition screen in an ostensibly healthy population. It had not been previously curated by ICSL or reported in the Human Gene Mutation Database (HGMD: prior to June 1st, 2018), and was therefore a candidate for classification through an automated scoring system. Utilizing variant allele frequency, disease prevalence and penetrance estimates, and inheritance mode, an automated score was calculated to assess if this variant is too frequent to cause the disease. Based on the score and internal cut-off values, a variant classified as benign is not then subjected to further curation. The score for this variant resulted in a classification of benign for this disease.

Breakthrough Genomics
Classification: Likely benign. Review status: criteria provided, single submitter. Criteria: ACMG Guidelines, 2015. Collection method: not provided. Allele origin: germline. Inheritance: Unknown mechanism. Affected: yes.

PreventionGenetics, part of Exact Sciences
Classification: Benign. Review status: criteria provided, single submitter. Criteria: ACMG Guidelines, 2015. Collection method: clinical testing. Allele origin: germline.